The following is an entry in ClinVar:

NM_000535.7(PMS2):c.1957del (p.Cys653fs)

Gene: PMS2 (PMS1 homolog 2, mismatch repair system component; minus strand). Cytogenetic location: 7p22.1.
Variant type: Deletion.
Coding change: c.1957del on transcript NM_000535.7 (MANE Select); coding-DNA position 1957, one base deleted (T; older notation c.1957delT).
Protein change: p.Cys653fs; shifts the reading frame from cysteine 653.
Molecular consequence: frameshift variant. On other transcripts: non-coding transcript variant (1).
Genome position (GRCh38, 1-based): chr7:5,986,808, A deleted on the plus strand (T on the coding strand, the reverse complement: PMS2 is on the minus strand); the first of 3 consecutive A bases (chr7:5,986,808-5,986,810); deleting any one gives the same sequence. VCF-style (leftmost placement, unchanged base first): chr7-5986807-CA-C. GRCh37 (hg19) VCF-style: chr7-6026438-CA-C.
Other names: c.1550delT, p.Cys518Valfs (NM_001018040.1, NM_001406887.1, NM_001406888.1 and 13 more transcripts); c.1552del, p.Cys518fs (NM_001322003.2, NM_001322004.2, NM_001322005.2 and 1 more transcripts); c.1801del, p.Cys601fs (NM_001322006.2); c.1639del, p.Cys547fs (NM_001322007.2, NM_001322008.2); c.1396del, p.Cys466fs (NM_001322010.2); c.1024del, p.Cys342fs (NM_001322011.2, NM_001322012.2); c.1384del, p.Cys462fs (NM_001322013.2); c.1957del, p.Cys653fs (NM_001322014.2); and 20 more; short protein forms C342fs, C547fs, C462fs, C466fs, C550fs, C601fs, C653fs, C518fs.
Identifiers: ClinVar variation 1783334 (VCV001783334.3), dbSNP rs2535706177, ClinGen allele CA2580076862.
Genomic context (GRCh38, chr7:5,986,807, plus strand): 5'-TTAAAACTTTACCTTATCTCTTTTCTTAGTTCATCTTCGGCTGCTTGATTTTCTCCAGGA[CA>C]AATCTTTGCCCTAAACTTCCTGTAATTCTGTTCCCCTTCACTTTGCTGTGCTTCATGATG-3'

ClinVar aggregate classification (germline): Pathogenic. Review status: criteria provided, multiple submitters, no conflicts (2 of 4 stars). 2 submissions from 2 submitters: Pathogenic (2). Last evaluated 2023-04-28.

Conditions:
Hereditary cancer-predisposing syndrome. Also called: Neoplastic Syndromes, Hereditary; Tumor predisposition; Hereditary Cancer Syndrome; Hereditary neoplastic syndrome. Identifiers: Orphanet 140162, MedGen C0027672, MeSH D009386, MONDO:0015356.
Lynch syndrome. Identifiers: Orphanet 144, MedGen C4552100, MONDO:0005835. Disease mechanism: loss of function.

Submissions (2):

All of Us Research Program, National Institutes of Health
Classification: Pathogenic for Lynch syndrome. Last evaluated: 2023-04-28. Review status: criteria provided, single submitter. Criteria: ACMG Guidelines, 2015. Collection method: clinical testing. Allele origin: germline. Inheritance: Autosomal dominant inheritance. Observed: 1 variant allele, 1 heterozygote.
Comment: This variant deletes 1 nucleotide in exon 11 of the PMS2 gene, creating a frameshift and premature translation stop signal. This variant is expected to result in an absent or non-functional protein product. To our knowledge, this variant has not been reported in individuals affected with hereditary cancer in the literature. This variant has not been identified in the general population by the Genome Aggregation Database (gnomAD). Loss of PMS2 function is a known mechanism of disease. Based on the available evidence, this variant is classified as Pathogenic.

This study involves interpretation of variants in research participants for the purpose of population health screening. Participant phenotype was not available at the time of variant classification. Additional details can be found in publication PMID: 35346344, PMCID: PMC8962531

Ambry Genetics
Classification: Pathogenic for Hereditary cancer-predisposing syndrome. Last evaluated: 2018-09-07. Review status: criteria provided, single submitter. Criteria: Ambry Variant Classification Scheme 2023. Collection method: clinical testing. Allele origin: germline.
Comment: The c.1957delT pathogenic mutation, located in coding exon 11 of the PMS2 gene, results from a deletion of one nucleotide at nucleotide position 1957, causing a translational frameshift with a predicted alternate stop codon (p.C653Vfs*12). This alteration is expected to result in loss of function by premature protein truncation or nonsense-mediated mRNA decay. As such, this alteration is interpreted as a disease-causing mutation.